The following is an entry in ClinVar:

NM_001297.5(CNGB1):c.2983A>T (p.Ile995Phe)

Gene: CNGB1 (cyclic nucleotide gated channel subunit beta 1; minus strand). Cytogenetic location: 16q21.
Variant type: single nucleotide variant.
Coding change: c.2983A>T on transcript NM_001297.5 (MANE Select); coding-DNA position 2983, A replaced by T.
Protein change: p.Ile995Phe; replaces isoleucine 995 with phenylalanine.
Molecular consequence: missense variant.
Genome position (GRCh38, 1-based): chr16:57,897,908, T>A on the plus strand (A>T on the coding strand, the complement: CNGB1 is on the minus strand). VCF-style: chr16-57897908-T-A. GRCh37 (hg19) VCF-style: chr16-57931812-T-A.
Other names: c.2965A>T, p.Ile989Phe (NM_001286130.2); short protein forms I995F, I989F.
Identifiers: ClinVar variation 1989472 (VCV001989472.2), dbSNP rs780587560, ClinGen allele CA8082723.
Genomic context (GRCh38, chr16:57,897,908, plus strand): 5'-CATCAGGGCCGCCCAAGACCTGCACTTGCCCTGCCTGGATGATGTACATCTCACGGCCGA[T>A]CTCCCCCTGAAACAAAGAAGTGACAAGTCCCTCTGTTCATCCCCCAAAGTCACCAGAGAA-3'
Protein context (NP_001288.3, residues 985-1005): PNDYVCKKGE[Ile995Phe]GREMYIIQAG

ClinVar aggregate classification (germline): Uncertain significance. Review status: criteria provided, multiple submitters, no conflicts (2 of 4 stars). 2 submissions from 2 submitters: Uncertain significance (2). Last evaluated 2022-09-27.

Allele frequency attached by ClinVar (database versions not stated): gnomAD 0.00001; ExAC 0.00002; TOPMed 0.00002.

Submissions (2):

Labcorp Genetics (formerly Invitae), Labcorp
Classification: Uncertain significance. Last evaluated: 2022-09-27. Review status: criteria provided, single submitter. Criteria: Invitae Variant Classification Sherloc (09022015). Collection method: clinical testing. Allele origin: germline.
Comment: This sequence change replaces isoleucine, which is neutral and non-polar, with phenylalanine, which is neutral and non-polar, at codon 995 of the CNGB1 protein (p.Ile995Phe). This variant is present in population databases (rs780587560, gnomAD 0.01%). This variant has not been reported in the literature in individuals affected with CNGB1-related conditions. Advanced modeling of protein sequence and biophysical properties (such as structural, functional, and spatial information, amino acid conservation, physicochemical variation, residue mobility, and thermodynamic stability) performed at Invitae indicates that this missense variant is expected to disrupt CNGB1 protein function. In summary, the available evidence is currently insufficient to determine the role of this variant in disease. Therefore, it has been classified as a Variant of Uncertain Significance.

Blueprint Genetics
Classification: Uncertain significance. Last evaluated: 2021-08-23. Review status: criteria provided, single submitter. Criteria: ACMG Guidelines, 2015. Collection method: clinical testing. Allele origin: germline.